The following is an entry in ClinVar:

NM_170707.4(LMNA):c.1184C>A (p.Ser395Ter)

Gene: LMNA (lamin A/C; plus strand). Cytogenetic location: 1q22.
Variant type: single nucleotide variant.
Coding change: c.1184C>A on transcript NM_170707.4 (MANE Select); coding-DNA position 1184, C replaced by A.
Protein change: p.Ser395Ter; replaces serine 395 with a stop codon.
Molecular consequence: nonsense.
Genome position (GRCh38, 1-based): chr1:156,136,240, C>A. VCF-style: chr1-156136240-C-A. GRCh37 (hg19) VCF-style: chr1-156106031-C-A.
Other names: c.1184C>A (NM_170707.2); c.848C>A, p.Ser283Ter (NM_001257374.3); c.941C>A, p.Ser314Ter (NM_001282624.2); c.1184C>A, p.Ser395Ter (NM_001282625.2, NM_001282626.2, NM_005572.4 and 1 more transcripts); short protein forms S395*, S314*, S283*.
Identifiers: ClinVar variation 582238 (VCV000582238.8), dbSNP rs267607561, ClinGen allele CA342820935.

ClinVar aggregate classification (germline): Pathogenic. Review status: criteria provided, multiple submitters, no conflicts (2 of 4 stars). 2 submissions from 2 submitters: Pathogenic (2). Last evaluated 2023-04-08.

Conditions:
Charcot-Marie-Tooth disease type 2. Also called: Charcot-Marie-Tooth type 2. Identifiers: Orphanet 64746, MedGen C0270914, MONDO:0018993.
Cardiovascular phenotype. Identifiers: MedGen CN230736.

Submissions (2):

Labcorp Genetics (formerly Invitae), Labcorp
Classification: Pathogenic for Charcot-Marie-Tooth disease type 2. Last evaluated: 2023-04-08. Review status: criteria provided, single submitter. Criteria: Invitae Variant Classification Sherloc (09022015). Collection method: clinical testing. Allele origin: germline.
Comment: This variant is not present in population databases (gnomAD no frequency). This sequence change creates a premature translational stop signal (p.Ser395*) in the LMNA gene. It is expected to result in an absent or disrupted protein product. Loss-of-function variants in LMNA are known to be pathogenic (PMID: 18585512, 18926329). For these reasons, this variant has been classified as Pathogenic. ClinVar contains an entry for this variant (Variation ID: 582238). This variant has not been reported in the literature in individuals affected with LMNA-related conditions.

Ambry Genetics
Classification: Pathogenic for Cardiovascular phenotype. Last evaluated: 2023-02-21. Review status: criteria provided, single submitter. Criteria: Ambry Variant Classification Scheme 2023. Collection method: clinical testing. Allele origin: germline.
Comment: The p.S395* pathogenic mutation (also known as c.1184C>A), located in coding exon 7 of the LMNA gene, results from a C to A substitution at nucleotide position 1184. This changes the amino acid from a serine to a stop codon within coding exon 7. This variant is considered to be rare based on population cohorts in the Genome Aggregation Database (gnomAD). This alteration is expected to result in loss of function by premature protein truncation or nonsense-mediated mRNA decay. As such, this alteration is interpreted as a disease-causing mutation.

Literature cited by the submitters: PubMed 18585512 (cited by Labcorp Genetics (formerly Invitae), Labcorp); PubMed 18926329 (cited by Labcorp Genetics (formerly Invitae), Labcorp).